The following is an entry in ClinVar:

ClinVar aggregate classification (germline): Conflicting classifications of pathogenicity. Review status: criteria provided, conflicting classifications (1 of 4 stars). 2 submissions from 2 submitters: Uncertain significance (1); Likely benign (1). Last evaluated 2024-01-04.

Conditions:
Mevalonic aciduria (MEVA). Identifiers: Orphanet 29, MedGen C1959626, MONDO:0012481, OMIM 610377.
Porokeratosis 3, disseminated superficial actinic type (POROK3). Also called: POROKERATOSIS, DISSEMINATED SUPERFICIAL ACTINIC, 1; POROKERATOSIS 3, MULTIPLE TYPES; POROKERATOSIS 3, MIBELLI TYPE. Identifiers: MedGen C1867981, MONDO:0008293, OMIM 175900.
Hyperimmunoglobulin D with periodic fever (HIDS). Also called: HYPERIMMUNOGLOBULINEMIA D AND PERIODIC FEVER SYNDROME; Hyperimmunoglobulinemia D; Hyperimmunoglobulinemia D with periodic fever. Identifiers: Orphanet 343, MedGen C0398691, MONDO:0009849, OMIM 260920.

Allele frequency attached by ClinVar (database versions not stated): gnomAD 0.00002; gnomAD exomes 0.00002; TOPMed 0.00002; ExAC 0.00007.
gnomAD v4.1: 35 of 1,614,124 alleles (0.0022%); highest among the groups gnomAD compares: Middle Eastern, 0.033%; 1 homozygote.

Submissions (2):

Labcorp Genetics (formerly Invitae), Labcorp
Classification: Uncertain significance for Mevalonic aciduria; Hyperimmunoglobulin D with periodic fever; Porokeratosis 3, disseminated superficial actinic type. Last evaluated: 2024-01-04. Review status: criteria provided, single submitter. Criteria: Invitae Variant Classification Sherloc (09022015). Collection method: clinical testing. Allele origin: germline.
Comment: This sequence change affects codon 104 of the MVK mRNA. It is a 'silent' change, meaning that it does not change the encoded amino acid sequence of the MVK protein. This variant is present in population databases (rs756557144, gnomAD 0.04%). This variant has not been reported in the literature in individuals affected with MVK-related conditions. ClinVar contains an entry for this variant (Variation ID: 2643279). Algorithms developed to predict the effect of sequence changes on RNA splicing suggest that this variant may disrupt the consensus splice site. In summary, the available evidence is currently insufficient to determine the role of this variant in disease. Therefore, it has been classified as a Variant of Uncertain Significance.

CeGaT Center for Human Genetics Tuebingen
Classification: Likely benign. Last evaluated: 2022-04-01. Review status: criteria provided, single submitter. Criteria: CeGaT Center For Human Genetics Tuebingen Variant Classification Criteria Version 2. Collection method: clinical testing. Allele origin: germline. Affected: yes. Observed: 1 variant allele.
Comment: MVK: BP4, BP7

NM_000431.4(MVK):c.312C>T (p.Thr104=)

Gene: MVK (mevalonate kinase; plus strand). Cytogenetic location: 12q24.11.
Variant type: single nucleotide variant.
Coding change: c.312C>T on transcript NM_000431.4 (MANE Select); coding-DNA position 312, C replaced by T.
Protein change: p.Thr104=; no amino-acid change (threonine 104 retained).
Molecular consequence: synonymous variant. On other transcripts: 5 prime UTR variant (1), non-coding transcript variant (2).
Genome position (GRCh38, 1-based): chr12:109,579,887, C>T. VCF-style: chr12-109579887-C-T. GRCh37 (hg19) VCF-style: chr12-110017692-C-T.
Other names: c.312C>T, p.Thr104= (NM_001114185.3, NM_001301182.2, NM_001414511.1 and 3 more transcripts); c.-271C>T (NM_001414515.1).
Identifiers: ClinVar variation 2643279 (VCV002643279.25), dbSNP rs756557144, ClinGen allele CA6779216.